The following is an entry in ClinVar:

NM_005529.7(HSPG2):c.4677C>T (p.His1559=)

Gene: HSPG2 (heparan sulfate proteoglycan 2; minus strand). Cytogenetic location: 1p36.12.
Variant type: single nucleotide variant.
Coding change: c.4677C>T on transcript NM_005529.7 (MANE Select); coding-DNA position 4677, C replaced by T.
Protein change: p.His1559=; no amino-acid change (histidine 1559 retained).
Molecular consequence: synonymous variant.
Genome position (GRCh38, 1-based): chr1:21,864,163, G>A on the plus strand (C>T on the coding strand, the complement: HSPG2 is on the minus strand). VCF-style: chr1-21864163-G-A. GRCh37 (hg19) VCF-style: chr1-22190656-G-A.
Other names: c.4680C>T, p.His1560= (NM_001291860.2).
Identifiers: ClinVar variation 3234496 (VCV003234496.20), dbSNP rs2550721772, ClinGen allele CA416559384.

ClinVar aggregate classification (germline): Likely benign (1 of 4 stars; one submission).

Submission:

CeGaT Center for Human Genetics Tuebingen
Classification: Likely benign. Last evaluated: 2024-03-01. Review status: criteria provided, single submitter. Criteria: CeGaT Center For Human Genetics Tuebingen Variant Classification Criteria Version 2. Collection method: clinical testing. Allele origin: germline. Affected: yes. Observed: 1 variant allele.
Comment: HSPG2: PM2:Supporting, BP4, BP7